The following is an entry in ClinVar:

ClinVar aggregate classification (germline): Uncertain significance. Review status: criteria provided, multiple submitters, no conflicts (2 of 4 stars). 3 submissions from 3 submitters: Uncertain significance (3). Last evaluated 2025-12-09.

Conditions:
Inborn genetic diseases. Identifiers: MedGen C0950123, MeSH D030342.

Allele frequency attached by ClinVar (database versions not stated): gnomAD 0.00005; TOPMed 0.00007; 1000 Genomes Project 30x 0.00016.
gnomAD v4.1: 53 of 1,395,126 alleles (0.0038%); highest among the groups gnomAD compares: Middle Eastern, 0.077%; no homozygotes.

Submissions (3):

Ambry Genetics
Classification: Uncertain significance for Inborn genetic diseases. Last evaluated: 2025-12-09. Review status: criteria provided, single submitter. Criteria: Ambry Variant Classification Scheme 2023. Collection method: clinical testing. Allele origin: germline.
Comment: The c.251C>G (p.P84R) alteration is located in exon 1 (coding exon 1) of the DEAF1 gene. This alteration results from a C to G substitution at nucleotide position 251, causing the proline (P) at amino acid position 84 to be replaced by an arginine (R). Based on data from gnomAD, the G allele has an overall frequency of 0.003% (2/81204) total alleles studied. The highest observed frequency was 0.011% (1/9428) of African alleles. Based on insufficient or conflicting evidence, the clinical significance of this alteration remains unclear.

Labcorp Genetics (formerly Invitae), Labcorp
Classification: Uncertain significance. Last evaluated: 2025-06-24. Review status: criteria provided, single submitter. Criteria: Invitae Variant Classification Sherloc (09022015). Collection method: clinical testing. Allele origin: germline.
Comment: This sequence change replaces proline, which is neutral and non-polar, with arginine, which is basic and polar, at codon 84 of the DEAF1 protein (p.Pro84Arg). This variant is present in population databases (rs763981738, gnomAD 0.01%). This variant has not been reported in the literature in individuals affected with DEAF1-related conditions. ClinVar contains an entry for this variant (Variation ID: 2053731). Invitae Evidence Modeling of protein sequence and biophysical properties (such as structural, functional, and spatial information, amino acid conservation, physicochemical variation, residue mobility, and thermodynamic stability) indicates that this missense variant is expected to disrupt DEAF1 protein function with a positive predictive value of 80%. In summary, the available evidence is currently insufficient to determine the role of this variant in disease. Therefore, it has been classified as a Variant of Uncertain Significance.

CeGaT Center for Human Genetics Tuebingen
Classification: Uncertain significance. Last evaluated: 2023-09-01. Review status: criteria provided, single submitter. Criteria: CeGaT Center For Human Genetics Tuebingen Variant Classification Criteria Version 2. Collection method: clinical testing. Allele origin: germline. Affected: yes. Observed: 1 variant allele.

NM_021008.4(DEAF1):c.251C>G (p.Pro84Arg)

Gene: DEAF1 (DEAF1 transcription factor; minus strand). Cytogenetic location: 11p15.5.
Variant type: single nucleotide variant.
Coding change: c.251C>G on transcript NM_021008.4 (MANE Select); coding-DNA position 251, C replaced by G.
Protein change: p.Pro84Arg; replaces proline 84 with arginine.
Molecular consequence: missense variant. On other transcripts: intron variant (1).
Genome position (GRCh38, 1-based): chr11:694,797, G>C on the plus strand (C>G on the coding strand, the complement: DEAF1 is on the minus strand). VCF-style: chr11-694797-G-C. GRCh37 (hg19) VCF-style: chr11-694797-G-C.
Other names: c.251C>G, p.Pro84Arg (NM_001293634.2); c.-437-3199C>G (NM_001367390.1); c.251C>G (NM_021008.2); short protein forms P84R.
Identifiers: ClinVar variation 2053731 (VCV002053731.28), dbSNP rs763981738, ClinGen allele CA5786618.
Genomic context (GRCh38, chr11:694,797, plus strand): 5'-AGAGGCCGGCGGGCGCACTTGCCTGCGAAGGCTGCGGCAGCGGCGGCCTCGTCGGGGCCG[G>C]GCAGGGCCTCGGCGCCCATGTCCATGTGCCCGGGCTCCGCCGCCATCACCGCCACTGCCG-3'
Protein context (NP_066288.2, residues 74-94): GHMDMGAEAL[Pro84Arg]GPDEAAAAAA